The following is an entry in ClinVar:

ClinVar aggregate classification (germline): Uncertain significance (1 of 4 stars; one submission).

Conditions:
Epidermolysis bullosa simplex 3, localized or generalized intermediate, with BP230 deficiency (EBS3). Also called: Epidermolysis bullosa simplex, autosomal recessive 2; Epidermolysis bullosa simplex due to BP230 deficiency. Identifiers: Orphanet 412181, MedGen C3809470, MONDO:0014180, OMIM 615425.
Hereditary sensory and autonomic neuropathy type 6. Also called: Neuropathy, hereditary sensory and autonomic, type VI; HSAN VI. Identifiers: Orphanet 314381, MedGen C3539003, MONDO:0013839, OMIM 614653.

Allele frequency attached by ClinVar (database versions not stated): gnomAD exomes below 0.00001.
gnomAD v4.1: 5 of 1,613,264 alleles (0.00031%); highest among the groups gnomAD compares: Non-Finnish European, 0.00042%; no homozygotes.

Submission:

Labcorp Genetics (formerly Invitae), Labcorp
Classification: Uncertain significance for Epidermolysis bullosa simplex 3, localized or generalized intermediate, with BP230 deficiency; Hereditary sensory and autonomic neuropathy type 6. Last evaluated: 2022-11-01. Review status: criteria provided, single submitter. Criteria: Invitae Variant Classification Sherloc (09022015). Collection method: clinical testing. Allele origin: germline.
Comment: The DST gene has multiple clinically relevant transcripts. This variant occurs in alternate transcript NM_015548.4, and corresponds to NM_001723.5:c.*42664A> in the primary transcript. This sequence change replaces glutamic acid, which is acidic and polar, with alanine, which is neutral and non-polar, at codon 1860 of the DST protein (p.Glu1860Ala). This variant is present in population databases (no rsID available, gnomAD 0.0009%). This variant has not been reported in the literature in individuals affected with DST-related conditions. Experimental studies and prediction algorithms are not available or were not evaluated, and the functional significance of this variant is currently unknown. In summary, the available evidence is currently insufficient to determine the role of this variant in disease. Therefore, it has been classified as a Variant of Uncertain Significance.

NM_001374736.1(DST):c.13448A>C (p.Glu4483Ala)

Gene: DST (dystonin; minus strand). Cytogenetic location: 6p12.1.
Variant type: single nucleotide variant.
Coding change: c.13448A>C on transcript NM_001374736.1 (MANE Select); coding-DNA position 13448, A replaced by C.
Protein change: p.Glu4483Ala; replaces glutamic acid 4483 with alanine.
Molecular consequence: missense variant.
Genome position (GRCh38, 1-based): chr6:56,572,853, T>G on the plus strand (A>C on the coding strand, the complement: DST is on the minus strand). VCF-style: chr6-56572853-T-G. GRCh37 (hg19) VCF-style: chr6-56437651-T-G.
Other names: c.7091A>C, p.Glu2364Ala (NM_001144769.5); c.6677A>C, p.Glu2226Ala (NM_001144770.2); c.13448A>C, p.Glu4483Ala (NM_001374722.1); c.12815A>C, p.Glu4272Ala (NM_001374729.1); c.6557A>C, p.Glu2186Ala (NM_001374730.1, NM_183380.4); c.13475A>C, p.Glu4492Ala (NM_001374734.1); c.5579A>C, p.Glu1860Ala (NM_015548.5); short protein forms E1860A, E2186A, E2226A, E2364A, E4492A, E4272A, E4483A.
Identifiers: ClinVar variation 970303 (VCV000970303.8), dbSNP rs1371418837, ClinGen allele CA364527205.
Genomic context (GRCh38, chr6:56,572,853, plus strand): 5'-ACTTCAGTAAGAGCCTGAGTTTTTGTTTCTAAAAATGTCTGGAGCTTTTCTGAGAGGTTC[T>G]CAAACAGTTCTACTTTGGTTTTTAGCTCCTCCATTTTGGCAAGAGTTTCTTTGTGTTTAT-3'
Protein context (NP_001361665.1, residues 4473-4493): EELKTKVELF[Glu4483Ala]NLSEKLQTFL